The following is an entry in ClinVar:

ClinVar aggregate classification (germline): Conflicting classifications of pathogenicity. Review status: criteria provided, conflicting classifications (1 of 4 stars). 5 submissions from 5 submitters: Uncertain significance (4); Likely benign (1). Last evaluated 2025-03-21.

Conditions:
Hereditary cancer-predisposing syndrome. Also called: Neoplastic Syndromes, Hereditary; Tumor predisposition; Hereditary neoplastic syndrome; Hereditary Cancer Syndrome. Identifiers: Orphanet 140162, MedGen C0027672, MeSH D009386, MONDO:0015356.
Craniosynostosis syndrome. Also called: Craniosynostosis. Identifiers: Orphanet 1531, MedGen C0010278, MeSH D003398, MONDO:0015469, HP:0001363.
Gorlin syndrome. Also called: Nevoid Basal Cell Carcinoma Syndrome; Basal cell nevus syndrome. Identifiers: Orphanet 377, MedGen C0004779, MONDO:0007187.

Allele frequency attached by ClinVar (database versions not stated): gnomAD exomes 0.00001; ExAC 0.00002; ESP Exome Variant Server 0.00008.
gnomAD v4.1: 3 of 1,614,194 alleles (0.00019%); highest among the groups gnomAD compares: Non-Finnish European, 0.00025%; no homozygotes.

Submissions (5):

Ambry Genetics
Classification: Uncertain significance for Hereditary cancer-predisposing syndrome. Last evaluated: 2025-03-21. Review status: criteria provided, single submitter. Criteria: Ambry Variant Classification Scheme 2023. Collection method: clinical testing. Allele origin: germline.
Comment: The p.A398V variant (also known as c.1193C>T), located in coding exon 8 of the PTCH1 gene, results from a C to T substitution at nucleotide position 1193. The alanine at codon 398 is replaced by valine, an amino acid with similar properties. This amino acid position is highly conserved in available vertebrate species. In addition, this alteration is predicted to be deleterious by in silico analysis. Since supporting evidence is limited at this time, the clinical significance of this alteration remains unclear.

GeneDx
Classification: Uncertain significance. Last evaluated: 2023-12-07. Review status: criteria provided, single submitter. Criteria: GeneDx Variant Classification Process June 2021. Collection method: clinical testing. Allele origin: germline. Affected: yes.
Comment: Not observed at significant frequency in large population cohorts (gnomAD); In silico analysis supports that this missense variant has a deleterious effect on protein structure/function; Observed in an individual with craniosynostosis (PMID: 31837199); This variant is associated with the following publications: (PMID: 31837199, 8906794)

Labcorp Genetics (formerly Invitae), Labcorp
Classification: Likely benign for Gorlin syndrome. Last evaluated: 2022-09-27. Review status: criteria provided, single submitter. Criteria: Invitae Variant Classification Sherloc (09022015). Collection method: clinical testing. Allele origin: germline.

Laboratory of Medical Genetics, National & Kapodistrian University of Athens
Classification: Uncertain significance for Basal cell nevus syndrome 1. Last evaluated: 2021-10-06. Review status: criteria provided, single submitter. Criteria: ACMG Guidelines, 2015. Collection method: clinical testing. Allele origin: unknown. Affected: yes.
Comment: PM2, PP3, BP1

Klinisk genetik och genomik Research, Gothenburg University
Classification: Uncertain significance for Craniosynostosis. Last evaluated: 2019-09-25. Review status: criteria provided, single submitter. Criteria: ACMG Guidelines, 2015. Collection method: research. Allele origin: germline. Affected: yes.

Literature cited by the submitters: PubMed 31837199 (cited by Klinisk genetik och genomik Research, Gothenburg University).

NM_000264.5(PTCH1):c.1193C>T (p.Ala398Val)

Gene: PTCH1 (patched 1; minus strand). Cytogenetic location: 9q22.32.
Variant type: single nucleotide variant.
Coding change: c.1193C>T on transcript NM_000264.5 (MANE Select); coding-DNA position 1193, C replaced by T.
Protein change: p.Ala398Val; replaces alanine 398 with valine.
Molecular consequence: missense variant. On other transcripts: non-coding transcript variant (1).
Genome position (GRCh38, 1-based): chr9:95,479,022, G>A on the plus strand (C>T on the coding strand, the complement: PTCH1 is on the minus strand). VCF-style: chr9-95479022-G-A. GRCh37 (hg19) VCF-style: chr9-98241304-G-A.
Other names: c.995C>T, p.Ala332Val (NM_001083602.3); c.1190C>T, p.Ala397Val (NM_001083603.3); c.740C>T, p.Ala247Val (NM_001083604.3, NM_001083605.3, NM_001083606.3 and 1 more transcripts); c.1193C>T, p.Ala398Val (NM_001354918.2); short protein forms A247V, A332V, A397V, A398V.
Identifiers: ClinVar variation 691919 (VCV000691919.14), dbSNP rs375098989, ClinGen allele CA5138749.